The following is an entry in ClinVar:

NM_000217.3(KCNA1):c.1422A>C (p.Arg474Ser)

Gene: KCNA1 (potassium voltage-gated channel subfamily A member 1; plus strand). Cytogenetic location: 12p13.32.
Variant type: single nucleotide variant.
Coding change: c.1422A>C on transcript NM_000217.3 (MANE Select); coding-DNA position 1422, A replaced by C.
Protein change: p.Arg474Ser; replaces arginine 474 with serine.
Molecular consequence: missense variant.
Genome position (GRCh38, 1-based): chr12:4,912,800, A>C. VCF-style: chr12-4912800-A-C. GRCh37 (hg19) VCF-style: chr12-5021966-A-C.
Other names: short protein forms R474S.
Identifiers: ClinVar variation 1462173 (VCV001462173.8), dbSNP rs2137674271, ClinGen allele CA383456749.

ClinVar aggregate classification (germline): Uncertain significance (1 of 4 stars; one submission).

Conditions:
Episodic ataxia type 1 (EA1). Also called: Episodic ataxia/myokymia syndrome; MYOKYMIA WITH PERIODIC ATAXIA; PAROXYSMAL ATAXIA WITH NEUROMYOTONIA, HEREDITARY; ATAXIA, EPISODIC, WITH MYOKYMIA. Identifiers: Orphanet 37612, Orphanet 972, MedGen C1719788, MONDO:0008047, OMIM 160120.

Submission:

Labcorp Genetics (formerly Invitae), Labcorp
Classification: Uncertain significance for Episodic ataxia type 1. Last evaluated: 2022-11-08. Review status: criteria provided, single submitter. Criteria: Invitae Variant Classification Sherloc (09022015). Collection method: clinical testing. Allele origin: germline.
Comment: In summary, the available evidence is currently insufficient to determine the role of this variant in disease. Therefore, it has been classified as a Variant of Uncertain Significance. Advanced modeling of protein sequence and biophysical properties (such as structural, functional, and spatial information, amino acid conservation, physicochemical variation, residue mobility, and thermodynamic stability) performed at Invitae indicates that this missense variant is not expected to disrupt KCNA1 protein function. ClinVar contains an entry for this variant (Variation ID: 1462173). This variant has not been reported in the literature in individuals affected with KCNA1-related conditions. This variant is not present in population databases (gnomAD no frequency). This sequence change replaces arginine, which is basic and polar, with serine, which is neutral and polar, at codon 474 of the KCNA1 protein (p.Arg474Ser).